The following is an entry in ClinVar:

ClinVar aggregate classification (germline): Uncertain significance (1 of 4 stars; one submission).

gnomAD v4.1: 5 of 1,612,722 alleles (0.00031%); highest among the groups gnomAD compares: African/African-American, 0.004%; no homozygotes.

Submission:

GeneDx
Classification: Uncertain significance. Last evaluated: 2024-01-10. Review status: criteria provided, single submitter. Criteria: GeneDx Variant Classification Process June 2021. Collection method: clinical testing. Allele origin: germline. Affected: yes.
Comment: Not observed at significant frequency in large population cohorts (gnomAD); In silico analysis supports that this missense variant does not alter protein structure/function; Has not been previously published as pathogenic or benign to our knowledge

NM_178335.3(CCDC50):c.1159G>A (p.Ala387Thr)

Gene: CCDC50 (coiled-coil domain containing 50; plus strand). Cytogenetic location: 3q28.
Variant type: single nucleotide variant.
Coding change: c.1159G>A on transcript NM_178335.3 (MANE Select); coding-DNA position 1159, G replaced by A.
Protein change: p.Ala387Thr; replaces alanine 387 with threonine.
Molecular consequence: missense variant.
Genome position (GRCh38, 1-based): chr3:191,380,849, G>A. VCF-style: chr3-191380849-G-A. GRCh37 (hg19) VCF-style: chr3-191098638-G-A.
Other names: c.631G>A, p.Ala211Thr (NM_174908.4); short protein forms A211T, A387T.
Identifiers: ClinVar variation 3367403 (VCV003367403.1).